The following is an entry in ClinVar:

NM_004304.5(ALK):c.4738G>A (p.Gly1580Arg)

Gene: ALK (ALK receptor tyrosine kinase; minus strand). Cytogenetic location: 2p23.2.
Variant type: single nucleotide variant.
Coding change: c.4738G>A on transcript NM_004304.5 (MANE Select); coding-DNA position 4738, G replaced by A.
Protein change: p.Gly1580Arg; replaces glycine 1580 with arginine.
Molecular consequence: missense variant.
Genome position (GRCh38, 1-based): chr2:29,193,349, C>T on the plus strand (G>A on the coding strand, the complement: ALK is on the minus strand). VCF-style: chr2-29193349-C-T. GRCh37 (hg19) VCF-style: chr2-29416215-C-T.
Other names: c.1534G>A, p.Gly512Arg (NM_001353765.2); short protein forms G1580R, G512R.
Identifiers: ClinVar variation 470884 (VCV000470884.15), dbSNP rs370947313, ClinGen allele CA1593497.

ClinVar aggregate classification (germline): Uncertain significance. Review status: criteria provided, multiple submitters, no conflicts (2 of 4 stars). 5 submissions from 5 submitters: Uncertain significance (5). Last evaluated 2026-10-01.

Conditions:
Hereditary cancer-predisposing syndrome. Also called: Hereditary neoplastic syndrome; Tumor predisposition; Neoplastic Syndromes, Hereditary; Hereditary Cancer Syndrome. Identifiers: Orphanet 140162, MedGen C0027672, MeSH D009386, MONDO:0015356.
Neuroblastoma, susceptibility to, 3. Also called: ALK-Related Neuroblastic Tumor Susceptibility. Identifiers: Orphanet 635, MedGen C2751681, MONDO:0013083, OMIM 613014.

Allele frequency attached by ClinVar (database versions not stated): gnomAD exomes 0.00001 and 0.00003; ExAC 0.00002; TOPMed 0.00002; gnomAD 0.00004; ESP Exome Variant Server 0.00008.
gnomAD v4.1: 28 of 1,614,076 alleles (0.0017%); highest among the groups gnomAD compares: South Asian, 0.0022%; no homozygotes.

Submissions (5):

St. Jude Molecular Pathology, St. Jude Children's Research Hospital
Classification: Uncertain significance for Neuroblastoma, susceptibility to, 3. Last evaluated: 2026-10-01. Review status: criteria provided, single submitter. Criteria: St. Jude Assertion Criteria 2020. Collection method: clinical testing. Allele origin: germline.
Comment: The ALK c.4738G>A p.(Gly1580Arg) missense change has a maximum subpopulation frequency of 0.007% in gnomAD v2.1.1. The in silico tool REVEL is inconclusive about a pathogenic or benign effect o f this variant on protein function, and to our knowledge functional studies have not been performed. To our knowledge, this variant has not been reported in individuals with ALK-related neuroblastic tumor susceptibility. In summary, the evidence currentl y available is insufficient to determine the clinical significance of this variant. It has therefore been classified as of uncertain significance.

Labcorp Genetics (formerly Invitae), Labcorp
Classification: Uncertain significance for Neuroblastoma, susceptibility to, 3. Last evaluated: 2026-02-02. Review status: criteria provided, single submitter. Criteria: Invitae Variant Classification Sherloc (09022015). Collection method: clinical testing. Allele origin: germline.
Comment: This sequence change replaces glycine, which is neutral and non-polar, with arginine, which is basic and polar, at codon 1580 of the ALK protein (p.Gly1580Arg). This variant is present in population databases (rs370947313, gnomAD 0.006%). This variant has not been reported in the literature in individuals affected with ALK-related conditions. ClinVar contains an entry for this variant (Variation ID: 470884). An algorithm developed to predict the effect of missense changes on protein structure and function (PolyPhen-2) suggests that this variant is likely to be disruptive. In summary, the available evidence is currently insufficient to determine the role of this variant in disease. Therefore, it has been classified as a Variant of Uncertain Significance.

Ambry Genetics
Classification: Uncertain significance for Hereditary cancer-predisposing syndrome. Last evaluated: 2025-01-14. Review status: criteria provided, single submitter. Criteria: Ambry Variant Classification Scheme 2023. Collection method: clinical testing. Allele origin: germline.
Comment: The p.G1580R variant (also known as c.4738G>A), located in coding exon 29 of the ALK gene, results from a G to A substitution at nucleotide position 4738. The glycine at codon 1580 is replaced by arginine, an amino acid with dissimilar properties. This amino acid position is highly conserved in available vertebrate species. In addition, this alteration is predicted to be tolerated by in silico analysis. Based on the available evidence, the clinical significance of this variant remains unclear.

Baylor Genetics
Classification: Uncertain significance for Neuroblastoma, susceptibility to, 3. Last evaluated: 2024-02-19. Review status: criteria provided, single submitter. Criteria: ACMG Guidelines, 2015. Collection method: clinical testing. Allele origin: unknown.

GeneDx
Classification: Uncertain significance. Last evaluated: 2023-04-14. Review status: criteria provided, single submitter. Criteria: GeneDx Variant Classification Process June 2021. Collection method: clinical testing. Allele origin: germline. Affected: yes.
Comment: In silico analysis supports that this missense variant has a deleterious effect on protein structure/function; Has not been previously published as pathogenic or benign to our knowledge